The following is an entry in ClinVar:

ClinVar aggregate classification (germline): Uncertain significance (1 of 4 stars; one submission).

Conditions:
Chédiak-Higashi syndrome (CHS). Also called: Chediak-Higashi Syndrome. Identifiers: Orphanet 167, MedGen C0007965, MONDO:0008963, OMIM 214500.

Submission:

Labcorp Genetics (formerly Invitae), Labcorp
Classification: Uncertain significance for Chédiak-Higashi syndrome. Last evaluated: 2019-07-10. Review status: criteria provided, single submitter. Criteria: Invitae Variant Classification Sherloc (09022015). Collection method: clinical testing. Allele origin: germline.
Comment: In summary, the available evidence is currently insufficient to determine the role of this variant in disease. Therefore, it has been classified as a Variant of Uncertain Significance. Nucleotide substitutions within the consensus splice site are a relatively common cause of aberrant splicing (PMID: 17576681, 9536098). Algorithms developed to predict the effect of sequence changes on RNA splicing suggest that this variant may disrupt the consensus splice site, but this prediction has not been confirmed by published transcriptional studies. Algorithms developed to predict the effect of missense changes on protein structure and function are either unavailable or do not agree on the potential impact of this missense change (SIFT: "Tolerated"; PolyPhen-2: "Probably Damaging"; Align-GVGD: "Class C0"). This variant has not been reported in the literature in individuals with LYST-related conditions. This variant is not present in population databases (ExAC no frequency). This sequence change replaces arginine with threonine at codon 2934 of the LYST protein (p.Arg2934Thr). The arginine residue is moderately conserved and there is a moderate physicochemical difference between arginine and threonine. This variant also falls at the last nucleotide of exon 34 of the LYST coding sequence, which is part of the consensus splice site for this exon.

Literature cited by the submitters: PubMed 17576681; PubMed 9536098.

NM_000081.4(LYST):c.8801G>C (p.Arg2934Thr)

Gene: LYST (lysosomal trafficking regulator; minus strand). Cytogenetic location: 1q42.3.
Variant type: single nucleotide variant.
Coding change: c.8801G>C on transcript NM_000081.4 (MANE Select); coding-DNA position 8801, G replaced by C.
Protein change: p.Arg2934Thr; replaces arginine 2934 with threonine.
Molecular consequence: missense variant.
Genome position (GRCh38, 1-based): chr1:235,733,503, C>G on the plus strand (G>C on the coding strand, the complement: LYST is on the minus strand). VCF-style: chr1-235733503-C-G. GRCh37 (hg19) VCF-style: chr1-235896803-C-G.
Other names: c.8801G>C, p.Arg2934Thr (NM_001301365.1); short protein forms R2934T.
Identifiers: ClinVar variation 963137 (VCV000963137.6), dbSNP rs2527549393, ClinGen allele CA344919825.
Genomic context (GRCh38, chr1:235,733,503, plus strand): 5'-TTAACATCAATATCTTAAATCTTCATGGAAGACAATTTTAACTGACCTCCCGCAGCTTAC[C>G]TATCATGTGTCAGCTGCTGAATAAGTTCCTGCCAATGTCTGCTGGCACTCAAATCTACTT-3'
Protein context (NP_000072.2, residues 2924-2944): QELIQQLTHD[Arg2934Thr]AVWYDPIYYP